The following is an entry in ClinVar:

NM_004370.6(COL12A1):c.8863G>A (p.Ala2955Thr)

Gene: COL12A1 (collagen type XII alpha 1 chain; minus strand). Cytogenetic location: 6q13.
Variant type: single nucleotide variant.
Coding change: c.8863G>A on transcript NM_004370.6 (MANE Select); coding-DNA position 8863, G replaced by A.
Protein change: p.Ala2955Thr; replaces alanine 2955 with threonine.
Molecular consequence: missense variant.
Genome position (GRCh38, 1-based): chr6:75,090,188, C>T on the plus strand (G>A on the coding strand, the complement: COL12A1 is on the minus strand). VCF-style: chr6-75090188-C-T. GRCh37 (hg19) VCF-style: chr6-75799904-C-T.
Other names: c.8863G>A, p.Ala2955Thr (NM_001424113.1); c.8842G>A, p.Ala2948Thr (NM_001424114.1); c.8590G>A, p.Ala2864Thr (NM_001424115.1); c.5371G>A, p.Ala1791Thr (NM_001424116.1, NM_080645.3); short protein forms A2955T, A2864T, A2948T, A1791T.
Identifiers: ClinVar variation 2932822 (VCV002932822.3), dbSNP rs1343745478, ClinGen allele CA364734821.
Genomic context (GRCh38, chr6:75,090,188, plus strand): 5'-CCTGCATCCCTGGTGTGCCCGGGAAGCCTGGCCGCCCCCCAGGCCCAGGTTCTCCTCTGG[C>T]TCCTGCGCTACCAGGAGGTCCCGGTGGACCCGGCGGGCCTGGCTGGTTGCGACTGGACTG-3'
Protein context (NP_004361.3, residues 2945-2965): GPPGPPGSAG[Ala2955Thr]RGEPGPGGRP

ClinVar aggregate classification (germline): Uncertain significance (1 of 4 stars; one submission).

Conditions:
Ullrich congenital muscular dystrophy 2 (UCMD2). Identifiers: Orphanet 75840, MedGen C4225314, MONDO:0014654, OMIM 616470.
Bethlem myopathy 2 (BTHLM2). Identifiers: Orphanet 536516, Orphanet 610, MedGen C4225313, MONDO:0034022, OMIM 616471.

Allele frequency attached by ClinVar (database versions not stated): gnomAD exomes below 0.00001.
gnomAD v4.1: 5 of 1,614,116 alleles (0.00031%); highest among the groups gnomAD compares: Non-Finnish European, 0.00042%; no homozygotes.

Submission:

Labcorp Genetics (formerly Invitae), Labcorp
Classification: Uncertain significance for Bethlem myopathy 2; Ullrich congenital muscular dystrophy 2. Last evaluated: 2023-07-28. Review status: criteria provided, single submitter. Criteria: Invitae Variant Classification Sherloc (09022015). Collection method: clinical testing. Allele origin: germline.
Comment: This sequence change replaces alanine, which is neutral and non-polar, with threonine, which is neutral and polar, at codon 2955 of the COL12A1 protein (p.Ala2955Thr). In summary, the available evidence is currently insufficient to determine the role of this variant in disease. Therefore, it has been classified as a Variant of Uncertain Significance. Algorithms developed to predict the effect of missense changes on protein structure and function output the following: SIFT: "Not Available"; PolyPhen-2: "Benign"; Align-GVGD: "Not Available". The threonine amino acid residue is found in multiple mammalian species, which suggests that this missense change does not adversely affect protein function. This variant has not been reported in the literature in individuals affected with COL12A1-related conditions. This variant is present in population databases (no rsID available, gnomAD 0.0009%).